The following is an entry in ClinVar:

NM_000071.3(CBS):c.316+2T>C

Gene: CBS (cystathionine beta-synthase; minus strand). Cytogenetic location: 21q22.3.
Variant type: single nucleotide variant.
Coding change: c.316+2T>C on transcript NM_000071.3 (MANE Select); the canonical splice donor site of the intron after coding-DNA position 316, T replaced by C.
Molecular consequence: splice donor variant.
Genome position (GRCh38, 1-based): chr21:43,068,507, A>G on the plus strand (T>C on the coding strand, the complement: CBS is on the minus strand). VCF-style: chr21-43068507-A-G. GRCh37 (hg19) VCF-style: chr21-44488617-A-G.
Other names: c.316+2T>C (NM_001320298.2, NM_001178009.3, NM_001178008.3).
Identifiers: ClinVar variation 4816551 (VCV004816551.1).
Genomic context (GRCh38, chr21:43,068,507, plus strand): 5'-CCCCAGGCCCACGGAGCCCAGTGTAGATGGAGGAAGCCCCTCTCCAAAGCCAGGGCACTC[A>G]CAGAGCTCACACTTCAGGCCGAACTTCTTCCCAATCTTGTTGATTCTGACCATAGGGGTG-3'

ClinVar aggregate classification (germline): Likely pathogenic (1 of 4 stars; one submission).

Conditions:
Classic homocystinuria. Also called: HOMOCYSTINURIA WITH OR WITHOUT RESPONSE TO PYRIDOXINE; Homocystinuria due to CBS deficiency; Cystathionine beta-synthase deficiency; CBS deficiency; Homocystinuria due to Cystathionine Beta-Synthase Deficiency. Identifiers: Orphanet 394, MedGen C0751202, MONDO:0009352, OMIM 236200.

Submission:

Natera, Inc.
Classification: Likely pathogenic for Homocystinuria due to cystathionine beta-synthase deficiency. Last evaluated: 2024-11-13. Review status: criteria provided, single submitter. Criteria: Natera Variant Classification Schema (03/2026). Collection method: clinical testing. Allele origin: germline.
Comment: The c.316+2T>C variant in CBS is a canonical splice donor site variant predicted to affect pre-mRNA splicing, which may result in an abnormal transcript and altered protein product. This variant is expected to result in nonsense mediated decay, truncation, or a dysfunctional protein product. This variant is rare in the general population with a frequency below the threshold expected for the associated phenotype(s). Given the available evidence, this variant is classified as Likely Pathogenic.